The following is an entry in ClinVar:

NM_001267550.2(TTN):c.47407del (p.Ile15803fs)

Genes: TTN (titin; minus strand), TTN-AS1 (TTN antisense RNA 1; plus strand). Cytogenetic location: 2q31.2.
Variant type: Deletion.
Coding change: c.47407del on transcript NM_001267550.2 (MANE Select); coding-DNA position 47407, one base deleted (A; older notation c.47407delA).
Protein change: p.Ile15803fs; shifts the reading frame from isoleucine 15803.
Molecular consequence: frameshift variant.
Genome position (GRCh38, 1-based): chr2:178,617,944, T deleted on the plus strand (A on the coding strand, the reverse complement: TTN is on the minus strand). VCF-style (leftmost placement, unchanged base first): chr2-178617943-AT-A. GRCh37 (hg19) VCF-style: chr2-179482670-AT-A.
Other names: c.42484del, p.Ile14162fs (NM_001256850.1); c.20212del, p.Ile6738fs (NM_003319.4); c.39703del, p.Ile13235fs (NM_133378.4); c.20587del, p.Ile6863fs (NM_133432.3); c.20788del, p.Ile6930fs (NM_133437.4); c.20212delA (NM_003319.4); short protein forms I13235fs, I6863fs, I14162fs, I15803fs, I6738fs, I6930fs.
Identifiers: ClinVar variation 1477887 (VCV001477887.9), dbSNP rs2154209120, ClinGen allele CA2573133844.

ClinVar aggregate classification (germline): Likely pathogenic. Review status: criteria provided, multiple submitters, no conflicts (2 of 4 stars). 2 submissions from 2 submitters: Likely pathogenic (2). Last evaluated 2025-12-24.

Conditions:
Autosomal recessive limb-girdle muscular dystrophy type 2J (LGMDR10). Also called: MUSCULAR DYSTROPHY, LIMB-GIRDLE, AUTOSOMAL RECESSIVE 10; Limb-girdle muscular dystrophy, type 2J. Identifiers: Orphanet 140922, MedGen C1837342, MONDO:0012127, OMIM 608807.
Dilated cardiomyopathy 1G (CMD1G). Identifiers: Orphanet 154, MedGen C1858763, MONDO:0011400, OMIM 604145.
Cardiovascular phenotype. Identifiers: MedGen CN230736.

Submissions (2):

Ambry Genetics
Classification: Likely pathogenic for Cardiovascular phenotype. Last evaluated: 2025-12-24. Review status: criteria provided, single submitter. Criteria: Ambry Variant Classification Scheme 2023. Collection method: clinical testing. Allele origin: germline.
Comment: The c.20212delA variant, located in coding exon 80 of the TTN gene, results from a deletion of one nucleotide at nucleotide position 20212, causing a translational frameshift with a predicted alternate stop codon (p.I6738Sfs*7). This exon is located in the A-band region of the N2-B isoform of the titin protein and is constitutively expressed in TTN transcripts (percent spliced in or PSI 100%). This variant was reported in individual(s) with features consistent with dilated cardiomyopathy (Ambry internal data). This variant is considered to be rare based on population cohorts in the Genome Aggregation Database (gnomAD). This variant is expected to result in loss of function by premature protein truncation or nonsense-mediated mRNA decay. While truncating variants in TTN are present in 1-3% of the general population, truncating variants in the A-band are the most common cause of dilated cardiomyopathy (Herman DS et al. N. Engl. J. Med., 2012 Feb;366:619-28; Roberts AM et al. Sci Transl Med, 2015 Jan;7:270ra6). TTN truncating variants encoded in constitutive exons (PSI >90%) have been found to be significantly associated with DCM regardless of their position in titin (Schafer S et al. Nat. Genet., 2017 01;49:46-53; Akhtar MM et al. Circ Heart Fail, 2020 Oct;13:e006832; Massier M et al. Clin Genet, 2025 Jan). Based on the majority of available evidence to date, this variant is likely to be pathogenic.

Labcorp Genetics (formerly Invitae), Labcorp
Classification: Likely pathogenic for Dilated cardiomyopathy 1G; Autosomal recessive limb-girdle muscular dystrophy type 2J. Last evaluated: 2021-04-09. Review status: criteria provided, single submitter. Criteria: Invitae Variant Classification Sherloc (09022015). Collection method: clinical testing. Allele origin: germline.
Comment: This variant is not present in population databases (ExAC no frequency). This sequence change creates a premature translational stop signal (p.Ile15803Serfs*7) in the TTN gene. While this is not anticipated to result in nonsense mediated decay, it is expected to create a truncated TTN protein. This variant has not been reported in the literature in individuals with TTN-related conditions. In summary, the currently available evidence indicates that the variant is pathogenic, but additional data are needed to prove that conclusively. Therefore, this variant has been classified as Likely Pathogenic. This variant is located in the A band of TTN (PMID: 25589632). Truncating variants in this region are significantly overrepresented in patients affected with dilated cardiomyopathy (PMID: 25589632). Truncating variants in this region have also been reported in individuals affected with autosomal recessive centronuclear myopathy (PMID: 23975875).

Literature cited by the submitters: PubMed 25589632 (cited by Labcorp Genetics (formerly Invitae), Labcorp); PubMed 23975875 (cited by Labcorp Genetics (formerly Invitae), Labcorp).